The following is an entry in ClinVar:

ClinVar aggregate classification (germline): Uncertain significance. Review status: criteria provided, multiple submitters, no conflicts (2 of 4 stars). 2 submissions from 2 submitters: Uncertain significance (2). Last evaluated 2024-01-17.

Conditions:
Inborn genetic diseases. Identifiers: MedGen C0950123, MeSH D030342.

Allele frequency attached by ClinVar (database versions not stated): gnomAD 0.00001; gnomAD exomes 0.00001; TOPMed 0.00001; ExAC 0.00002.
gnomAD v4.1: 12 of 1,598,614 alleles (0.00075%); highest among the groups gnomAD compares: East Asian, 0.013%; no homozygotes.

Submissions (2):

Labcorp Genetics (formerly Invitae), Labcorp
Classification: Uncertain significance. Last evaluated: 2024-01-17. Review status: criteria provided, single submitter. Criteria: Invitae Variant Classification Sherloc (09022015). Collection method: clinical testing. Allele origin: germline.
Comment: This sequence change replaces arginine, which is basic and polar, with glutamine, which is neutral and polar, at codon 98 of the SEC63 protein (p.Arg98Gln). This variant is present in population databases (rs746736458, gnomAD 0.05%). This variant has not been reported in the literature in individuals affected with SEC63-related conditions. ClinVar contains an entry for this variant (Variation ID: 2490815). An algorithm developed to predict the effect of missense changes on protein structure and function (PolyPhen-2) suggests that this variant is likely to be tolerated. In summary, the available evidence is currently insufficient to determine the role of this variant in disease. Therefore, it has been classified as a Variant of Uncertain Significance.

Ambry Genetics
Classification: Uncertain significance for Inborn genetic diseases. Last evaluated: 2023-02-28. Review status: criteria provided, single submitter. Criteria: Ambry Variant Classification Scheme 2023. Collection method: clinical testing. Allele origin: germline.

NM_007214.5(SEC63):c.293G>A (p.Arg98Gln)

Gene: SEC63 (SEC63 protein translocation regulator; minus strand). Cytogenetic location: 6q21.
Variant type: single nucleotide variant.
Coding change: c.293G>A on transcript NM_007214.5 (MANE Select); coding-DNA position 293, G replaced by A.
Protein change: p.Arg98Gln; replaces arginine 98 with glutamine.
Molecular consequence: missense variant.
Genome position (GRCh38, 1-based): chr6:107,924,864, C>T on the plus strand (G>A on the coding strand, the complement: SEC63 is on the minus strand). VCF-style: chr6-107924864-C-T. GRCh37 (hg19) VCF-style: chr6-108246068-C-T.
Other names: short protein forms R98Q.
Identifiers: ClinVar variation 2490815 (VCV002490815.5), dbSNP rs746736458, ClinGen allele CA3947783.